The following is an entry in ClinVar:

ClinVar aggregate classification (germline): Pathogenic (1 of 4 stars; one submission).

Conditions:
SETD1A-related disorder. Also called: SETD1A-related condition.

gnomAD v4.1: 1 of 1,613,856 alleles (0.000062%); highest among the groups gnomAD compares: Non-Finnish European, 0.000085%; no homozygotes.

Submission:

Department of Paediatrics at Addenbrookes, Cambridge University Hospitals NHS Foundation Trust (UK)
Classification: Pathogenic for SETD1A-related disorder. Last evaluated: 2025-05-27. Review status: criteria provided, single submitter. Criteria: Durkie Uk Practice Guidelines For Variant Classification V12 2024 (1). Collection method: clinical testing. Allele origin: unknown.
Comment: PVS1_Very Strong; PM2_Moderate

NM_014712.3(SETD1A):c.2944G>T (p.Glu982Ter)

Gene: SETD1A (SET domain containing 1A, histone lysine methyltransferase; plus strand). Cytogenetic location: 16p11.2.
Variant type: single nucleotide variant.
Coding change: c.2944G>T on transcript NM_014712.3 (MANE Select); coding-DNA position 2944, G replaced by T.
Protein change: p.Glu982Ter; replaces glutamic acid 982 with a stop codon.
Molecular consequence: nonsense.
Genome position (GRCh38, 1-based): chr16:30,969,617, G>T. VCF-style: chr16-30969617-G-T. GRCh37 (hg19) VCF-style: chr16-30980938-G-T.
Other names: short protein forms E982*.
Identifiers: ClinVar variation 4279552 (VCV004279552.1).